The following is an entry in ClinVar:

ClinVar aggregate classification (germline): Uncertain significance (1 of 4 stars; one submission).

Submission:

Dasa
Classification: Uncertain significance. Last evaluated: 2024-11-14. Review status: criteria provided, single submitter. Criteria: DASA Assertion Criteria. Collection method: clinical testing. Allele origin: germline.
Comment: NM_181486.4(TBX5):c.1165C>G (p.Pro389Ala) is a missense variant that results in the substitution of proline with alanine. This variant is absent from population databases. Computational prediction algorithms are consistent with a benign effect. The currently available literature and clinical evidence are not sufficient to establish a definitive association between this variant and the reported condition. Therefore, this variant is classified as a variant of uncertain significance.

NM_181486.4(TBX5):c.1165C>G (p.Pro389Ala)

Gene: TBX5 (T-box transcription factor 5; minus strand). Cytogenetic location: 12q24.21.
Variant type: single nucleotide variant.
Coding change: c.1165C>G on transcript NM_181486.4 (MANE Select); coding-DNA position 1165, C replaced by G.
Protein change: p.Pro389Ala; replaces proline 389 with alanine.
Molecular consequence: missense variant.
Genome position (GRCh38, 1-based): chr12:114,355,924, G>C on the plus strand (C>G on the coding strand, the complement: TBX5 is on the minus strand). VCF-style: chr12-114355924-G-C. GRCh37 (hg19) VCF-style: chr12-114793729-G-C.
Other names: c.1165C>G, p.Pro389Ala (NM_000192.3); c.1015C>G, p.Pro339Ala (NM_080717.4); short protein forms P339A, P389A.
Identifiers: ClinVar variation 4885744 (VCV004885744.2).
Genomic context (GRCh38, chr12:114,355,924, plus strand): 5'-TGCTGTAGGAAGGCATGCTTGGCCACGTGTTGCAGCTGATGTCCTCTAGGCTGGGCACAG[G>C]CTCGCTGGGGGGCGCAGAGCTGGCATACATGCAAGCTTGCCGCTGTGCCGACTCTGTCCT-3'
Protein context (NP_852259.1, residues 379-399): MYASSAPPSE[Pro389Ala]VPSLEDISCN